The following is an entry in ClinVar:

ClinVar aggregate classification (germline): Conflicting classifications of pathogenicity. Review status: criteria provided, conflicting classifications (1 of 4 stars). 7 submissions from 7 submitters: Uncertain significance (1); Benign (1); Likely benign (4). 1 of the submissions does not count toward it. Last evaluated 2025-08-26.

Conditions:
Classic or attenuated familial adenomatous polyposis. Identifiers: MedGen CN372698, MONDO:0021057.
Hereditary cancer-predisposing syndrome. Also called: Hereditary neoplastic syndrome; Hereditary Cancer Syndrome; Tumor predisposition; Neoplastic Syndromes, Hereditary. Identifiers: Orphanet 140162, MedGen C0027672, MeSH D009386, MONDO:0015356.
Familial adenomatous polyposis 1 (FAP1). Also called: FAMILIAL ADENOMATOUS POLYPOSIS 1, ATTENUATED; POLYPOSIS, ADENOMATOUS INTESTINAL. Identifiers: MedGen C2713442, MONDO:0021056, OMIM 175100. Disease mechanism: loss of function.
Carcinoma of colon (CRC). Also called: Colon carcinoma; Colonic carcinoma. Identifiers: MedGen C0699790, MONDO:0002032.

Allele frequency attached by ClinVar (database versions not stated): gnomAD exomes below 0.00001; TOPMed below 0.00001.
gnomAD v4.1: 3 of 1,614,014 alleles (0.00019%); highest among the groups gnomAD compares: Non-Finnish European, 0.00025%; no homozygotes.

Submissions (7):

Labcorp Genetics (formerly Invitae), Labcorp
Classification: Likely benign for Familial adenomatous polyposis 1. Last evaluated: 2025-08-26. Review status: criteria provided, single submitter. Criteria: Invitae Variant Classification Sherloc (09022015). Collection method: clinical testing. Allele origin: germline.

Quest Diagnostics Nichols Institute San Juan Capistrano
Classification: Uncertain significance. Last evaluated: 2025-02-03. Review status: criteria provided, single submitter. Criteria: Quest Diagnostics criteria. Collection method: clinical testing. Allele origin: unknown.
Comment: The APC c.5931A>G (p.Gln1977=) synonymous variant has been reported in the published literature in an individual with colorectal cancer (PMID: 32658311 (2021)). This variant has not been reported in large, multi-ethnic general populations (Genome Aggregation Database). Analysis of this variant using software algorithms for the prediction of the effect of nucleotide changes on splicing yielded predictions that this variant does not affect APC mRNA splicing. Based on the available information, we are unable to determine the clinical significance of this variant.

Myriad Genetics, Inc.
Classification: Benign for Familial adenomatous polyposis 1. Last evaluated: 2024-04-03. Review status: criteria provided, single submitter. Criteria: Myriad Autosomal Dominant, Autosomal Recessive and X-Linked Classification Criteria (2023). Collection method: clinical testing. Allele origin: unknown.
Comment: This variant is considered benign. This variant is a silent/synonymous amino acid change and it is not expected to impact splicing.

All of Us Research Program, National Institutes of Health
Classification: Likely benign for Classic or attenuated familial adenomatous polyposis. Last evaluated: 2024-02-05. Review status: criteria provided, single submitter. Criteria: ACMG Guidelines, 2015. Collection method: clinical testing. Allele origin: germline. Inheritance: Autosomal dominant inheritance. Observed: 1 variant allele, 1 heterozygote.
Comment: This study involves interpretation of variants in research participants for the purpose of population health screening. Participant phenotype was not available at the time of variant classification. Additional details can be found in publication PMID: 35346344, PMCID: PMC8962531

Color Diagnostics, LLC DBA Color Health
Classification: Likely benign for Hereditary cancer-predisposing syndrome. Last evaluated: 2023-12-05. Review status: criteria provided, single submitter. Criteria: ACMG Guidelines, 2015. Collection method: clinical testing. Allele origin: germline.

Ambry Genetics
Classification: Likely benign for Hereditary cancer-predisposing syndrome. Last evaluated: 2019-04-05. Review status: criteria provided, single submitter. Criteria: Ambry Variant Classification Scheme 2023. Collection method: clinical testing. Allele origin: germline.

Department of Pathology and Laboratory Medicine, Sinai Health System
Classification: Uncertain significance for Carcinoma of colon. Review status: no assertion criteria provided. Collection method: clinical testing. Allele origin: unknown. Affected: yes. Study: The Canadian Open Genetics Repository (COGR). Not counted in ClinVar's aggregate classification.
Comment: The APC p.Gln1977= variant was not identified in the literature nor was it identified in the dbSBP, ClinVar, Cosmic, MutDB, LOVD 3.0, UMD-LSDB, Zhejiang Colon Cancer databases. The variant was not identified in the 1000 Genomes Project, the NHLBI GO Exome Sequencing Project or the Exome Aggregation Consortium (August 8th 2016) control databases. The p.Gln1977= variant is not expected to have clinical significance because it does not result in a change of amino acid and is not located in a known consensus splice site. In addition, in silico or computational prediction software programs (SpliceSiteFinder, MaxEntScan, NNSPLICE, GeneSplicer, HumanSpliceFinder) do not predict a difference in splicing. In summary, based on the above information the clinical significance of this variant cannot be determined with certainty at this time. This variant is classified as a variant of uncertain significance.

Literature cited by the submitters: PubMed 27547838 (cited by Quest Diagnostics Nichols Institute San Juan Capistrano); PubMed 32658311 (cited by Quest Diagnostics Nichols Institute San Juan Capistrano).

NM_000038.6(APC):c.5931A>G (p.Gln1977=)

Gene: APC (APC regulator of Wnt signaling pathway; plus strand). Cytogenetic location: 5q22.2.
Variant type: single nucleotide variant.
Coding change: c.5931A>G on transcript NM_000038.6 (MANE Select); coding-DNA position 5931, A replaced by G.
Protein change: p.Gln1977=; no amino-acid change (glutamine 1977 retained).
Molecular consequence: synonymous variant.
Genome position (GRCh38, 1-based): chr5:112,841,525, A>G. VCF-style: chr5-112841525-A-G. GRCh37 (hg19) VCF-style: chr5-112177222-A-G.
Other names: c.5931A>G, p.Gln1977= (NM_001127510.3, NM_001354895.2); c.5877A>G, p.Gln1959= (NM_001127511.3); c.5985A>G, p.Gln1995= (NM_001354896.2); c.5961A>G, p.Gln1987= (NM_001354897.2); c.5856A>G, p.Gln1952= (NM_001354898.2); c.5847A>G, p.Gln1949= (NM_001354899.2); c.5808A>G, p.Gln1936= (NM_001354900.2); c.5754A>G, p.Gln1918= (NM_001354901.2); and 5 more.
Identifiers: ClinVar variation 470025 (VCV000470025.26), dbSNP rs975299630, ClinGen allele CA125167801.